The following is an entry in ClinVar:

ClinVar aggregate classification (germline): Uncertain significance (1 of 4 stars; one submission).

Allele frequency attached by ClinVar (database versions not stated): TOPMed below 0.00001; gnomAD 0.00001.
gnomAD v4.1: 4 of 1,611,302 alleles (0.00025%); highest among the groups gnomAD compares: Non-Finnish European, 0.00025%; no homozygotes.

Submission:

Labcorp Genetics (formerly Invitae), Labcorp
Classification: Uncertain significance. Last evaluated: 2024-11-11. Review status: criteria provided, single submitter. Criteria: Invitae Variant Classification Sherloc (09022015). Collection method: clinical testing. Allele origin: germline.
Comment: This sequence change replaces tyrosine, which is neutral and polar, with cysteine, which is neutral and slightly polar, at codon 241 of the PPA2 protein (p.Tyr241Cys). This variant is not present in population databases (gnomAD no frequency). This variant has not been reported in the literature in individuals affected with PPA2-related conditions. ClinVar contains an entry for this variant (Variation ID: 1902010). Invitae Evidence Modeling of protein sequence and biophysical properties (such as structural, functional, and spatial information, amino acid conservation, physicochemical variation, residue mobility, and thermodynamic stability) indicates that this missense variant is expected to disrupt PPA2 protein function with a positive predictive value of 95%. In summary, the available evidence is currently insufficient to determine the role of this variant in disease. Therefore, it has been classified as a Variant of Uncertain Significance.

NM_176869.3(PPA2):c.722A>G (p.Tyr241Cys)

Gene: PPA2 (inorganic pyrophosphatase 2; minus strand). Cytogenetic location: 4q24.
Variant type: single nucleotide variant.
Coding change: c.722A>G on transcript NM_176869.3 (MANE Select); coding-DNA position 722, A replaced by G.
Protein change: p.Tyr241Cys; replaces tyrosine 241 with cysteine.
Molecular consequence: missense variant.
Genome position (GRCh38, 1-based): chr4:105,399,098, T>C on the plus strand (A>G on the coding strand, the complement: PPA2 is on the minus strand). VCF-style: chr4-105399098-T-C. GRCh37 (hg19) VCF-style: chr4-106320255-T-C.
Other names: c.635A>G, p.Tyr212Cys (NM_006903.4); c.416A>G, p.Tyr139Cys (NM_176866.2); c.224A>G, p.Tyr75Cys (NM_176867.3); short protein forms Y139C, Y241C, Y212C, Y75C.
Identifiers: ClinVar variation 1902010 (VCV001902010.5), dbSNP rs1734258453, ClinGen allele CA357790682.
Genomic context (GRCh38, chr4:105,399,098, plus strand): 5'-TTGTTTTTGAATTCTCCATTAAAAGCAAACTGGTTTTCTGGTTTTCCATCTGGTACCTTA[T>C]ATAATCTAAACCAATTAAGAGTAGCTTCCAGGTAACCCGGTTTGAACTTCTTAACATCAT-3'
Protein context (NP_789845.1, residues 231-251): LEATLNWFRL[Tyr241Cys]KVPDGKPENQ